The following is an entry in ClinVar:

NM_000264.5(PTCH1):c.1630A>G (p.Thr544Ala)

Gene: PTCH1 (patched 1; minus strand). Cytogenetic location: 9q22.32.
Variant type: single nucleotide variant.
Coding change: c.1630A>G on transcript NM_000264.5 (MANE Select); coding-DNA position 1630, A replaced by G.
Protein change: p.Thr544Ala; replaces threonine 544 with alanine.
Molecular consequence: missense variant. On other transcripts: non-coding transcript variant (1).
Genome position (GRCh38, 1-based): chr9:95,476,132, T>C on the plus strand (A>G on the coding strand, the complement: PTCH1 is on the minus strand). VCF-style: chr9-95476132-T-C. GRCh37 (hg19) VCF-style: chr9-98238414-T-C.
Other names: c.1432A>G, p.Thr478Ala (NM_001083602.3); c.1627A>G, p.Thr543Ala (NM_001083603.3); c.1177A>G, p.Thr393Ala (NM_001083604.3, NM_001083605.3, NM_001083606.3 and 1 more transcripts); c.1474A>G, p.Thr492Ala (NM_001354918.2); short protein forms T393A, T492A, T478A, T543A, T544A.
Identifiers: ClinVar variation 859855 (VCV000859855.11), dbSNP rs1841014826, ClinGen allele CA374118072.

ClinVar aggregate classification (germline): Uncertain significance. Review status: criteria provided, multiple submitters, no conflicts (2 of 4 stars). 2 submissions from 2 submitters: Uncertain significance (2). Last evaluated 2024-06-14.

Conditions:
Gorlin syndrome. Also called: Nevoid Basal Cell Carcinoma Syndrome; Basal cell nevus syndrome. Identifiers: Orphanet 377, MedGen C0004779, MONDO:0007187.
Hereditary cancer-predisposing syndrome. Also called: Hereditary neoplastic syndrome; Tumor predisposition; Neoplastic Syndromes, Hereditary; Hereditary Cancer Syndrome. Identifiers: Orphanet 140162, MedGen C0027672, MeSH D009386, MONDO:0015356.

Submissions (2):

Ambry Genetics
Classification: Uncertain significance for Hereditary cancer-predisposing syndrome. Last evaluated: 2024-06-14. Review status: criteria provided, single submitter. Criteria: Ambry Variant Classification Scheme 2023. Collection method: clinical testing. Allele origin: germline.
Comment: The p.T544A variant (also known as c.1630A>G), located in coding exon 12 of the PTCH1 gene, results from an A to G substitution at nucleotide position 1630. The threonine at codon 544 is replaced by alanine, an amino acid with similar properties. This amino acid position is conserved. In addition, this alteration is predicted to be deleterious by in silico analysis. Based on the available evidence, the clinical significance of this variant remains unclear.

Labcorp Genetics (formerly Invitae), Labcorp
Classification: Uncertain significance for Gorlin syndrome. Last evaluated: 2019-04-14. Review status: criteria provided, single submitter. Criteria: Invitae Variant Classification Sherloc (09022015). Collection method: clinical testing. Allele origin: germline.
Comment: This sequence change replaces threonine with alanine at codon 544 of the PTCH1 protein (p.Thr544Ala). The threonine residue is moderately conserved and there is a small physicochemical difference between threonine and alanine. This variant is not present in population databases (ExAC no frequency). This variant has not been reported in the literature in individuals with PTCH1-related conditions. Algorithms developed to predict the effect of missense changes on protein structure and function (SIFT, PolyPhen-2, Align-GVGD) all suggest that this variant is likely to be tolerated, but these predictions have not been confirmed by published functional studies and their clinical significance is uncertain. In summary, the available evidence is currently insufficient to determine the role of this variant in disease. Therefore, it has been classified as a Variant of Uncertain Significance.